The following is an entry in ClinVar:

NM_000059.4(BRCA2):c.6045del (p.Leu2015fs)

Gene: BRCA2 (BRCA2 DNA repair associated; plus strand). Cytogenetic location: 13q13.1.
Variant type: Deletion.
Coding change: c.6045del on transcript NM_000059.4 (MANE Select); coding-DNA position 6045, one base deleted (G; older notation c.6045delG).
Protein change: p.Leu2015fs; shifts the reading frame from leucine 2015.
Molecular consequence: frameshift variant.
Genome position (GRCh38, 1-based): chr13:32,340,400, G deleted. VCF-style (leftmost placement, unchanged base first): chr13-32340399-TG-T. GRCh37 (hg19) VCF-style: chr13-32914536-TG-T.
Other names: short protein forms L2015fs.
Identifiers: ClinVar variation 929056 (VCV000929056.2), dbSNP rs2072544996, ClinGen allele CA1139663230.

ClinVar aggregate classification (germline): Pathogenic/Likely pathogenic. Review status: criteria provided, multiple submitters, no conflicts (2 of 4 stars). 2 submissions from 2 submitters: Pathogenic (1); Likely pathogenic (1). Last evaluated 2022-05-27.

Conditions:
Hereditary breast ovarian cancer syndrome. Also called: Hereditary breast and ovarian cancer syndrome; Hereditary breast and ovarian cancer syndrome (HBOC); Hereditary breast and/or ovarian cancer syndrome; Hereditary breast and ovarian cancer; Breast and ovarian cancer; BRCA1- and BRCA2-Associated Hereditary Breast and Ovarian Cancer. Identifiers: Orphanet 145, MedGen C0677776, MeSH D061325, MONDO:0003582. Disease mechanism: loss of function.

Submissions (2):

Clinical Genetics Laboratory, Skane University Hospital Lund
Classification: Pathogenic. Last evaluated: 2022-05-27. Review status: criteria provided, single submitter. Criteria: ACMG Guidelines, 2015. Collection method: clinical testing. Allele origin: germline. Affected: yes.

Women's Health and Genetics/Laboratory Corporation of America, LabCorp
Classification: Likely pathogenic for Hereditary breast and ovarian cancer syndrome. Last evaluated: 2019-10-14. Review status: criteria provided, single submitter. Criteria: LabCorp Variant Classification Summary - May 2015. Collection method: clinical testing. Allele origin: germline.
Comment: Variant summary: BRCA2 c.6045delG (p.Leu2015PhefsX25) results in a premature termination codon, predicted to cause a truncation of the encoded protein or absence of the protein due to nonsense mediated decay, which are commonly known mechanisms for disease. Truncations downstream of this position have been classified as pathogenic by our laboratory. The variant was absent in 250836 control chromosomes (gnomAD). To our knowledge, no occurrence of c.6045delG in individuals affected with Hereditary Breast and Ovarian Cancer and no experimental evidence demonstrating its impact on protein function have been reported. No clinical diagnostic laboratories have submitted clinical-significance assessments for this variant to ClinVar after 2014. Based on the evidence outlined above, the variant was classified as likely pathogenic.